The following is an entry in ClinVar:

NM_000152.5(GAA):c.1143del (p.Ala382fs)

Gene: GAA (alpha glucosidase; plus strand). Cytogenetic location: 17q25.3.
Variant type: Deletion.
Coding change: c.1143del on transcript NM_000152.5 (MANE Select); coding-DNA position 1143, one base deleted (C; older notation c.1143delC).
Protein change: p.Ala382fs; shifts the reading frame from alanine 382.
Molecular consequence: frameshift variant.
Genome position (GRCh38, 1-based): chr17:80,108,556, C deleted; the last of 2 consecutive C bases (chr17:80,108,555-80,108,556); deleting either gives the same sequence. VCF-style (leftmost placement, unchanged base first): chr17-80108554-AC-A. GRCh37 (hg19) VCF-style: chr17-78082353-AC-A.
Other names: c.1143del, p.Ala382fs (NM_001079803.3, NM_001079804.3); c.1143del (NM_000152.4, LRG_673t1); c.1143delC (NM_000152.3); short protein forms A382fs.
Identifiers: ClinVar variation 370263 (VCV000370263.30), dbSNP rs757458607, ClinGen allele CA8815181.
Genomic context (GRCh38, chr17:80,108,554, plus strand): 5'-CCGTTCATGCCGCCATACTGGGGCCTGGGCTTCCACCTGTGCCGCTGGGGCTACTCCTCC[AC>A]CGCTATCACCCGCCAGGTGGTGGAGAACATGACCAGGGCCCACTTCCCCCTGGTGAGTTG-3'

ClinVar aggregate classification (germline): Pathogenic. Review status: reviewed by expert panel (3 of 4 stars). 10 submissions from 10 submitters: Pathogenic (1). 9 of the submissions do not count toward it. Last evaluated 2020-08-31.

Conditions:
Glycogen storage disease, type II (IOPD). Also called: CARDIOMEGALIA GLYCOGENICA DIFFUSA; GLYCOGENOSIS, GENERALIZED, CARDIAC FORM; GSD II; Glucosidase acid-1,4-alpha deficiency; Glycogen storage disease type 2; Acid maltase deficiency disease. Identifiers: Orphanet 365, MedGen C0017921, MONDO:0009290, OMIM 232300.

Submissions (10):

ClinGen Lysosomal Storage Disorder Variant Curation Expert Panel
Classification: Pathogenic for Glycogen storage disease, type II. Last evaluated: 2020-08-31. Review status: reviewed by expert panel. Criteria: ClinGen LSD ACMG Specifications v1. Collection method: curation. Allele origin: germline. Inheritance: Autosomal recessive inheritance.
Comment: This variant, c.1143del (p.Ala382LeufsTer10), is a frameshift variant that is predicted to result in a premature termination codon, nonsense mediated decay, and lack of gene product, meeting PVS1. The highest population minor allele frequency in gnomAD v2.1.1 0.000008946 in the European non-Finnish population, meeting PM2. At least five individuals with late onset Pompe disease (believed to be different individuals based on age of onset and age at report) who are compound heterozygous for the variant and c.-32-13T>G have been reported (PMIDs 22676651, 24383498, 25155446, 29122469, 29315315, 30564623), and three of them meet the ClinGen LSD VCEP's specifications for PP4 (PMID 22676651, 29122469). The phase of the variants is unknown for all of these patients. PM3_Supporting is met based on the specifications on the Clingen LSD VCEP. There is a ClinVar entry for this variant (Variation ID: 370263, 1 star review status) with one submitter classifying the variant as pathogenic and one as likely pathogenic. In summary, this variant meets the criteria to be classified as pathogenic for Pompe disease. GAA-specific ACMG/AMP criteria applied, as specified by the ClinGen LSD VCEP: PVS1, PM2, PM3_Supporting, PP4.

Genomenon, Inc
Classification: Pathogenic for Glycogen storage disease, type II. Last evaluated: 2026-07-01. Review status: criteria provided, single submitter. Criteria: Genomenon Sequence Variant Interpretation Standards - Updated. Collection method: curation. Allele origin: germline. Affected: yes. Not counted in ClinVar's aggregate classification.
Comment: GAA p.Ala382LeufsTer10 (c.1143del) is a frameshift variant that is predicted to introduce a premature termination codon and result in a truncated or absent protein product. This variant has been observed in at least one proband with a GAA-related disorder (PMID:38313679;36805083;35787971;34852371;31710733;22676651). It is absent or not present at a significant frequency in gnomAD. In conclusion, we classify GAA p.Ala382LeufsTer10 (c.1143del) as a pathogenic variant.

Labcorp Genetics (formerly Invitae), Labcorp
Classification: Pathogenic for Glycogen storage disease, type II. Last evaluated: 2025-11-16. Review status: criteria provided, single submitter. Criteria: Invitae Variant Classification Sherloc (09022015). Collection method: clinical testing. Allele origin: germline. Not counted in ClinVar's aggregate classification.
Comment: This sequence change creates a premature translational stop signal (p.Ala382Leufs*10) in the GAA gene. It is expected to result in an absent or disrupted protein product. Loss-of-function variants in GAA are known to be pathogenic (PMID: 18425781, 22252923). This variant is present in population databases (rs757458607, gnomAD 0.0009%). This premature translational stop signal has been observed in individual(s) with late-onset Pompe disease (PMID: 22676651, 29122469). ClinVar contains an entry for this variant (Variation ID: 370263). For these reasons, this variant has been classified as Pathogenic.

Natera, Inc.
Classification: Pathogenic for Glycogen storage disease type II. Last evaluated: 2024-11-07. Review status: criteria provided, single submitter. Criteria: Natera Variant Classification Schema (03/2026). Collection method: clinical testing. Allele origin: germline. Not counted in ClinVar's aggregate classification.
Comment: The c.1143del variant in GAA is a frameshift variant predicted to shift the reading frame beginning at codon 382 and leads to a stop codon 10 codons downstream. This variant is expected to result in nonsense mediated decay, truncation, or a dysfunctional protein product. This variant is rare in the general population with a frequency below the threshold expected for the associated phenotype(s). This variant has been observed in one or more individuals affected with the associated recessive disease, as either homozygous or compound heterozygous with a second variant (PMID: 22676651). Given the available evidence, this variant is classified as Pathogenic.

Revvity Omics, Revvity
Classification: Pathogenic. Last evaluated: 2023-09-15. Review status: criteria provided, single submitter. Criteria: ACMG Guidelines, 2015. Collection method: clinical testing. Allele origin: germline. Not counted in ClinVar's aggregate classification.

AiLife Diagnostics
Classification: Pathogenic. Last evaluated: 2022-01-10. Review status: criteria provided, single submitter. Criteria: ACMG Guidelines, 2015. Collection method: clinical testing. Allele origin: germline. Affected: yes. Observed: 1 variant allele. Not counted in ClinVar's aggregate classification.

Fulgent Genetics
Classification: Likely pathogenic for Glycogen storage disease, type II. Last evaluated: 2021-09-16. Review status: criteria provided, single submitter. Criteria: ACMG Guidelines, 2015. Collection method: clinical testing. Allele origin: unknown. Not counted in ClinVar's aggregate classification.

Broad Center for Mendelian Genomics, Broad Institute of MIT and Harvard
Classification: Pathogenic for Glycogen storage disease, type II. Last evaluated: 2020-01-22. Review status: criteria provided, single submitter. Criteria: ACMG Guidelines, 2015. Collection method: curation. Allele origin: germline. Inheritance: Autosomal recessive inheritance. Not counted in ClinVar's aggregate classification.
Comment: The p.Ala382LeufsTer10 variant in GAA has been reported in 4 Caucasian individuals (including 2 Germans) with Glycogen Storage Disease II (PMID: 24383498, 22676651), and has also been reported likely pathogenic by Counsyl and pathogenic by EGL in ClinVar (Variation ID: 370263). This variant has been identified in 0.0009% (1/111784) of European (non-Finnish) chromosomes by the Genome Aggregation Database (gnomAD; dbSNP rs1057516359). Although this variant has been seen in the general population, its frequency is low enough to be consistent with a recessive carrier frequency. This variant is predicted to cause a frameshift, which alters the protein's amino acid sequence beginning at position 382 and leads to a premature termination codon 10 amino acids downstream. This alteration is then predicted to lead to a truncated or absent protein. The presence of this variant in combination with a pathogenic variant curated by our study and in 2 individuals with Glycogen Storage Disease II slightly increases the likelihood that the p.Ala382LeufsTer10 variant is pathogenic (PMID: 22676651). The phenotype of individuals compound heterozygous for this variant is highly specific for Glycogen Storage Disease II based on low GAA activity consistent with disease (PMID: 22676651). In summary, this variant meets criteria to be classified as pathogenic for Glycogen Storage Disease II in an autosomal recessive manner based on the predicted impact of the variant and a few occurrences with a pathogenic GAA variant in individuals with Glycogen Storage Disease II. ACMG/AMP Criteria applied: PVS1, PM3_supporting, PM2, PP4 (Richards 2015).

Eurofins Ntd Llc (ga)
Classification: Pathogenic. Last evaluated: 2017-02-02. Review status: criteria provided, single submitter. Criteria: EGL Classification Definitions 2015. Collection method: clinical testing. Allele origin: germline. Observed: 1 variant allele, 1 heterozygote. Not counted in ClinVar's aggregate classification.

Counsyl
Classification: Likely pathogenic for Glycogen storage disease, type II. Last evaluated: 2015-12-29. Review status: no assertion criteria provided. Collection method: clinical testing. Allele origin: unknown. Not counted in ClinVar's aggregate classification.

Literature cited by the submitters: PubMed 29122469 (cited by ClinGen Lysosomal Storage Disorder Variant Curation Expert Panel and Labcorp Genetics (formerly Invitae), Labcorp); PubMed 25155446 (cited by ClinGen Lysosomal Storage Disorder Variant Curation Expert Panel); PubMed 22676651 (cited by 7 submitters); PubMed 30564623 (cited by ClinGen Lysosomal Storage Disorder Variant Curation Expert Panel); PubMed 29315315 (cited by ClinGen Lysosomal Storage Disorder Variant Curation Expert Panel); PubMed 38313679 (cited by Genomenon, Inc); PubMed 36805083 (cited by Genomenon, Inc); PubMed 35787971 (cited by Genomenon, Inc); PubMed 34852371 (cited by Genomenon, Inc); PubMed 31710733 (cited by Genomenon, Inc); PubMed 18425781 (cited by Labcorp Genetics (formerly Invitae), Labcorp); PubMed 22252923 (cited by Labcorp Genetics (formerly Invitae), Labcorp); PubMed 24383498 (cited by 3 submitters).